The following is an entry in ClinVar:

ClinVar aggregate classification (germline): Uncertain significance (1 of 4 stars; one submission).

Conditions:
Spondylocarpotarsal synostosis syndrome (SCT). Also called: Synspondylism congenital; Scoliosis, congenital with unilateral unsegmented bar; SPONDYLOCARPOTARSAL SYNDROME; VERTEBRAL FUSION WITH CARPAL COALITION; Spondylocarpotarsal Synostosis Syndrome (FLNB-SCT). Identifiers: Orphanet 3275, MedGen C1848934, MONDO:0010094, OMIM 272460.
Boomerang dysplasia. Identifiers: Orphanet 1263, MedGen C0432201, MONDO:0007208, OMIM 112310.
Atelosteogenesis type I. Also called: SPONDYLOHUMEROFEMORAL HYPOPLASIA; Atelosteogenesis Type 1 (FLNB-AO1); GIANT CELL CHONDRODYSPLASIA. Identifiers: Orphanet 1190, MedGen C0265283, MONDO:0007167, OMIM 108720.
Atelosteogenesis type III. Also called: Atelosteogenesis Type 3 (FLNB-AO3). Identifiers: Orphanet 56305, MedGen C3668942, MONDO:0007168, OMIM 108721.
Larsen syndrome (LRS). Also called: Bilateral dislocation of the knees, pes cavus, cylindrically shaped fingers and characteristic facies; Larsen syndrome (FLNB-LS). Identifiers: Orphanet 503, MedGen C0175778, MONDO:0007875, OMIM 150250. Disease mechanism: loss of function.

Submission:

Juno Genomics, Hangzhou Juno Genomics, Inc
Classification: Uncertain significance for Spondylocarpotarsal synostosis syndrome; Atelosteogenesis type I; Atelosteogenesis type III; Boomerang dysplasia; Larsen syndrome. Review status: criteria provided, single submitter. Criteria: ACMG Guidelines, 2015. Collection method: clinical testing. Allele origin: germline.
Comment: Absent from controls (or at extremely low frequency if recessive) in Genome Aggregation Database.;Multiple lines of computational evidence support a deleterious effect on the gene or gene product.;Missense variant in a gene that has a low rate of benign missense variation.

NM_001457.4(FLNB):c.358C>T (p.His120Tyr)

Gene: FLNB (filamin B; plus strand). Cytogenetic location: 3p14.3.
Variant type: single nucleotide variant.
Coding change: c.358C>T on transcript NM_001457.4 (MANE Select); coding-DNA position 358, C replaced by T.
Protein change: p.His120Tyr; replaces histidine 120 with tyrosine.
Molecular consequence: missense variant.
Genome position (GRCh38, 1-based): chr3:58,077,111, C>T. VCF-style: chr3-58077111-C-T. GRCh37 (hg19) VCF-style: chr3-58062838-C-T.
Other names: c.358C>T, p.His120Tyr (NM_001164317.2, NM_001164318.2, NM_001164319.2); short protein forms H120Y.
Identifiers: ClinVar variation 5019322 (VCV005019322.2).
Genomic context (GRCh38, chr3:58,077,111, plus strand): 5'-AAAGCCATTGTGGATGGGAACCTGAAGCTCATCTTGGGTCTGGTGTGGACGCTGATCCTC[C>T]ACTACTCCATCTCCATGCCCGTGTGGGAGGATGAAGGGGATGATGATGCCAAGAAGCAGA-3'
Protein context (NP_001448.2, residues 110-130): ILGLVWTLIL[His120Tyr]YSISMPVWED